The following is an entry in ClinVar:

ClinVar aggregate classification (germline): Uncertain significance (1 of 4 stars; one submission).

gnomAD v4.1: 1 of 1,614,034 alleles (0.000062%); highest among the groups gnomAD compares: East Asian, 0.0022%; no homozygotes.

Submission:

GeneDx
Classification: Uncertain significance. Last evaluated: 2024-04-11. Review status: criteria provided, single submitter. Criteria: GeneDx Variant Classification Process June 2021. Collection method: clinical testing. Allele origin: germline. Affected: yes.
Comment: In silico analysis indicates that this missense variant does not alter protein structure/function; Has not been previously published as pathogenic or benign to our knowledge

NM_018897.3(DNAH7):c.8529C>G (p.Asp2843Glu)

Gene: DNAH7 (dynein axonemal heavy chain 7; minus strand). Cytogenetic location: 2q32.3.
Variant type: single nucleotide variant.
Coding change: c.8529C>G on transcript NM_018897.3 (MANE Select); coding-DNA position 8529, C replaced by G.
Protein change: p.Asp2843Glu; replaces aspartic acid 2843 with glutamic acid.
Molecular consequence: missense variant.
Genome position (GRCh38, 1-based): chr2:195,855,877, G>C on the plus strand (C>G on the coding strand, the complement: DNAH7 is on the minus strand). VCF-style: chr2-195855877-G-C. GRCh37 (hg19) VCF-style: chr2-196720601-G-C.
Other names: short protein forms D2843E.
Identifiers: ClinVar variation 3372333 (VCV003372333.1).